The following is an entry in ClinVar:

ClinVar aggregate classification (germline): Uncertain significance. Review status: criteria provided, multiple submitters, no conflicts (2 of 4 stars). 4 submissions from 4 submitters: Uncertain significance (3). 1 of the submissions does not count toward it. Last evaluated 2025-08-01.

Conditions:
Bardet-Biedl syndrome 17 (BBS17). Identifiers: Orphanet 110, MedGen C3714980, MONDO:0014445, OMIM 615994.
Inborn genetic diseases. Identifiers: MedGen C0950123, MeSH D030342.
LZTFL1-related disorder. Also called: LZTFL1-related condition.

Allele frequency attached by ClinVar (database versions not stated): ExAC 0.00001; TOPMed 0.00002; gnomAD 0.00004; gnomAD exomes 0.00004.
gnomAD v4.1: 31 of 1,613,778 alleles (0.0019%); highest among the groups gnomAD compares: Admixed American, 0.033%; no homozygotes.

Submissions (4):

Ambry Genetics
Classification: Uncertain significance for Inborn genetic diseases. Last evaluated: 2025-08-01. Review status: criteria provided, single submitter. Criteria: Ambry Variant Classification Scheme 2023. Collection method: clinical testing. Allele origin: germline.

Labcorp Genetics (formerly Invitae), Labcorp
Classification: Uncertain significance. Last evaluated: 2023-05-22. Review status: criteria provided, single submitter. Criteria: Invitae Variant Classification Sherloc (09022015). Collection method: clinical testing. Allele origin: germline.
Comment: In summary, the available evidence is currently insufficient to determine the role of this variant in disease. Therefore, it has been classified as a Variant of Uncertain Significance. Advanced modeling of protein sequence and biophysical properties (such as structural, functional, and spatial information, amino acid conservation, physicochemical variation, residue mobility, and thermodynamic stability) performed at Invitae indicates that this missense variant is not expected to disrupt LZTFL1 protein function. ClinVar contains an entry for this variant (Variation ID: 972115). This variant has not been reported in the literature in individuals affected with LZTFL1-related conditions. This variant is present in population databases (rs781428652, gnomAD 0.03%). This sequence change replaces aspartic acid, which is acidic and polar, with histidine, which is basic and polar, at codon 195 of the LZTFL1 protein (p.Asp195His).

Fulgent Genetics
Classification: Uncertain significance for Bardet-Biedl syndrome 17. Last evaluated: 2022-01-07. Review status: criteria provided, single submitter. Criteria: ACMG Guidelines, 2015. Collection method: clinical testing. Allele origin: unknown.

PreventionGenetics, part of Exact Sciences
Classification: Uncertain significance for LZTFL1-related condition. Last evaluated: 2024-08-05. Review status: no assertion criteria provided. Collection method: clinical testing. Allele origin: germline. Not counted in ClinVar's aggregate classification.
Comment: The LZTFL1 c.583G>C variant is predicted to result in the amino acid substitution p.Asp195His. To our knowledge, this variant has not been reported in the literature. This variant is reported in 0.029% of alleles in individuals of Latino descent in gnomAD. At this time, the clinical significance of this variant is uncertain due to the absence of conclusive functional and genetic evidence.

NM_020347.4(LZTFL1):c.583G>C (p.Asp195His)

Gene: LZTFL1 (leucine zipper transcription factor like 1; minus strand). Cytogenetic location: 3p21.31.
Variant type: single nucleotide variant.
Coding change: c.583G>C on transcript NM_020347.4 (MANE Select); coding-DNA position 583, G replaced by C.
Protein change: p.Asp195His; replaces aspartic acid 195 with histidine.
Molecular consequence: missense variant. On other transcripts: non-coding transcript variant (1).
Genome position (GRCh38, 1-based): chr3:45,830,930, C>G on the plus strand (G>C on the coding strand, the complement: LZTFL1 is on the minus strand). VCF-style: chr3-45830930-C-G. GRCh37 (hg19) VCF-style: chr3-45872422-C-G.
Other names: c.583G>C (NM_020347.2); c.532G>C, p.Asp178His (NM_001276378.2, NM_001386451.1); c.571G>C, p.Asp191His (NM_001276379.2); c.583G>C, p.Asp195His (NM_001386452.1); short protein forms D178H, D191H, D195H.
Identifiers: ClinVar variation 972115 (VCV000972115.9), dbSNP rs781428652, ClinGen allele CA2351901.